The following is an entry in ClinVar:

ClinVar aggregate classification (germline): Uncertain significance (1 of 4 stars; one submission).

Submission:

Labcorp Genetics (formerly Invitae), Labcorp
Classification: Uncertain significance. Last evaluated: 2021-05-05. Review status: criteria provided, single submitter. Criteria: Invitae Variant Classification Sherloc (09022015). Collection method: clinical testing. Allele origin: germline.
Comment: Algorithms developed to predict the effect of sequence changes on RNA splicing suggest that this variant may create or strengthen a splice site, but this prediction has not been confirmed by published transcriptional studies. In summary, the available evidence is currently insufficient to determine the role of this variant in disease. Therefore, it has been classified as a Variant of Uncertain Significance. Algorithms developed to predict the effect of missense changes on protein structure and function output the following: SIFT: "Tolerated"; PolyPhen-2: "Benign"; Align-GVGD: "Class C0". The serine amino acid residue is found in multiple mammalian species, suggesting that this missense change does not adversely affect protein function. These predictions have not been confirmed by published functional studies and their clinical significance is uncertain. This variant has not been reported in the literature in individuals with RP1-related conditions. This variant is not present in population databases (ExAC no frequency). This sequence change replaces asparagine with serine at codon 2121 of the RP1 protein (p.Asn2121Ser). The asparagine residue is weakly conserved and there is a small physicochemical difference between asparagine and serine.

NM_006269.2(RP1):c.6362A>G (p.Asn2121Ser)

Gene: RP1 (RP1 axonemal microtubule associated; plus strand). Cytogenetic location: 8q12.1.
Variant type: single nucleotide variant.
Coding change: c.6362A>G on transcript NM_006269.2 (MANE Select); coding-DNA position 6362, A replaced by G.
Protein change: p.Asn2121Ser; replaces asparagine 2121 with serine.
Molecular consequence: missense variant. On other transcripts: intron variant (1).
Genome position (GRCh38, 1-based): chr8:54,630,244, A>G. VCF-style: chr8-54630244-A-G. GRCh37 (hg19) VCF-style: chr8-55542804-A-G.
Other names: c.787+7956A>G (NM_001375654.1); short protein forms N2121S.
Identifiers: ClinVar variation 1500836 (VCV001500836.8), dbSNP rs2129318678, ClinGen allele CA370991906.